The following is an entry in ClinVar:

ClinVar aggregate classification (germline): Uncertain significance. Review status: criteria provided, multiple submitters, no conflicts (2 of 4 stars). 2 submissions from 2 submitters: Uncertain significance (2). Last evaluated 2023-12-03.

Conditions:
Hypertrophic cardiomyopathy. Also called: HYPERTROPHIC MYOCARDIOPATHY. Identifiers: Orphanet 217569, MedGen C0007194, MeSH D002312, MONDO:0005045, HP:0001639.

Submissions (2):

Labcorp Genetics (formerly Invitae), Labcorp
Classification: Uncertain significance for Hypertrophic cardiomyopathy. Last evaluated: 2023-12-03. Review status: criteria provided, single submitter. Criteria: Invitae Variant Classification Sherloc (09022015). Collection method: clinical testing. Allele origin: germline.
Comment: This sequence change replaces valine, which is neutral and non-polar, with isoleucine, which is neutral and non-polar, at codon 170 of the TPM1 protein (p.Val170Ile). This variant is not present in population databases (gnomAD no frequency). This variant has not been reported in the literature in individuals affected with TPM1-related conditions. ClinVar contains an entry for this variant (Variation ID: 440350). An algorithm developed to predict the effect of missense changes on protein structure and function (PolyPhen-2) suggests that this variant is likely to be disruptive. In summary, the available evidence is currently insufficient to determine the role of this variant in disease. Therefore, it has been classified as a Variant of Uncertain Significance.

ARUP Laboratories, Molecular Genetics and Genomics, ARUP Laboratories
Classification: Uncertain significance. Last evaluated: 2016-10-10. Review status: criteria provided, single submitter. Criteria: ARUP Molecular Germline Variant Investigation Process. Collection method: clinical testing. Allele origin: germline.

NM_001018005.2(TPM1):c.508G>A (p.Val170Ile)

Gene: TPM1 (tropomyosin 1; plus strand). Cytogenetic location: 15q22.2.
Variant type: single nucleotide variant.
Coding change: c.508G>A on transcript NM_001018005.2 (MANE Select); coding-DNA position 508, G replaced by A.
Protein change: p.Val170Ile; replaces valine 170 with isoleucine.
Molecular consequence: missense variant.
Genome position (GRCh38, 1-based): chr15:63,060,884, G>A. VCF-style: chr15-63060884-G-A. GRCh37 (hg19) VCF-style: chr15-63353083-G-A.
Other names: c.508G>A, p.Val170Ile (NM_000366.6, NM_001018004.2, NM_001018006.2 and 6 more transcripts); c.400G>A, p.Val134Ile (NM_001018008.2, NM_001301289.2, NM_001330344.2 and 5 more transcripts); c.634G>A, p.Val212Ile (NM_001365778.1); short protein forms V170I, V134I, V212I.
Identifiers: ClinVar variation 440350 (VCV000440350.15), dbSNP rs1555409095, ClinGen allele CA392723109.